The following is an entry in ClinVar:

ClinVar aggregate classification (germline): Pathogenic (1 of 4 stars; one submission).

Conditions:
Dystonia 12 (DYT12). Also called: Rapid-Onset Dystonia-Parkinsonism (RDP); DYT-ATP1A3. Identifiers: Orphanet 71517, MedGen C1868681, MONDO:0007496, OMIM 128235.

Submission:

Labcorp Genetics (formerly Invitae), Labcorp
Classification: Pathogenic for Dystonia 12. Last evaluated: 2022-05-07. Review status: criteria provided, single submitter. Criteria: Invitae Variant Classification Sherloc (09022015). Collection method: clinical testing. Allele origin: germline.
Comment: For these reasons, this variant has been classified as Pathogenic. This variant disrupts a region of the ATP1A3 protein in which other variant(s) (p.Tyr1013dup) have been determined to be pathogenic (PMID: 19351654). This suggests that this is a clinically significant region of the protein, and that variants that disrupt it are likely to be disease-causing. Algorithms developed to predict the effect of sequence changes on RNA splicing suggest that this variant may disrupt the consensus splice site. This sequence change results in a frameshift in the ATP1A3 gene (p.Phe989Cysfs*117). While this is not anticipated to result in nonsense mediated decay, it is expected to disrupt the last 25 amino acid(s) of the ATP1A3 protein and extend the protein by 91 additional amino acid residues. This variant is not present in population databases (gnomAD no frequency). This variant has not been reported in the literature in individuals affected with ATP1A3-related conditions.

Literature cited by the submitters: PubMed 19351654.

NM_152296.5(ATP1A3):c.2966_2996del (p.Phe989fs)

Gene: ATP1A3 (ATPase Na+/K+ transporting subunit alpha 3; minus strand). Cytogenetic location: 19q13.2.
Variant type: Deletion.
Coding change: c.2966_2996del on transcript NM_152296.5 (MANE Select); coding-DNA positions 2966 to 2996, 31 bases deleted.
Protein change: p.Phe989fs; shifts the reading frame from phenylalanine 989.
Molecular consequence: frameshift variant.
Genome position (GRCh38, 1-based): chr19:41,967,266-41,967,296, 31 bases deleted; deleting any 31 consecutive bases within chr19:41,967,266-41,967,298 gives the same sequence; the c. name uses the placement nearest the transcript's 3' end. GRCh37 (hg19): chr19:42,471,420-42,471,450.
Other names: c.2999_3029del, p.Phe1000fs (NM_001256213.2); c.3005_3035del, p.Phe1002fs (NM_001256214.2); short protein forms F1002fs, F1000fs, F989fs.
Identifiers: ClinVar variation 2111919 (VCV002111919.4), dbSNP rs2514023544, ClinGen allele CA2580097310.
Genomic context (GRCh38, chr19:41,967,265, plus strand): 5'-TGCTGCCCCCCGCCCCCCTCGGCTGCCTTGCCGAGCTCCCTCACCCCCTGGGTTCCTGCG[CAGGATGAGTTTGCGGATTTCGTCGTAGACGA>C]AGATGAGGAAACTGTAGGGGAAGGCACAGAACCACCAGCTGGGCCTGCAGAGGGGAGAGC-3'